The following is an entry in ClinVar:

NM_006379.5(SEMA3C):c.28G>T (p.Val10Phe)

Gene: SEMA3C (semaphorin 3C; minus strand). Cytogenetic location: 7q21.11.
Variant type: single nucleotide variant.
Coding change: c.28G>T on transcript NM_006379.5 (MANE Select); coding-DNA position 28, G replaced by T.
Protein change: p.Val10Phe; replaces valine 10 with phenylalanine.
Molecular consequence: missense variant. On other transcripts: 5 prime UTR variant (1).
Genome position (GRCh38, 1-based): chr7:80,916,754, C>A on the plus strand (G>T on the coding strand, the complement: SEMA3C is on the minus strand). VCF-style: chr7-80916754-C-A. GRCh37 (hg19) VCF-style: chr7-80546070-C-A.
Other names: c.82G>T, p.Val28Phe (NM_001350120.2); c.-235G>T (NM_001350121.2); c.82G>T (NM_001350120.1); short protein forms V28F, V10F.
Identifiers: ClinVar variation 2409774 (VCV002409774.3), dbSNP rs147398619, ClinGen allele CA4316614.

ClinVar aggregate classification (germline): Uncertain significance. Review status: criteria provided, single submitter (1 of 4 stars). 2 submissions from 2 submitters: Uncertain significance (1). 1 of the submissions does not count toward it. Last evaluated 2024-02-14.

Conditions:
SEMA3C-related disorder. Also called: SEMA3C-related condition.

Allele frequency attached by ClinVar (database versions not stated): gnomAD exomes 0.00002; ExAC 0.00017; TOPMed 0.00037; 1000 Genomes Project 0.00040; 1000 Genomes Project 30x 0.00062.
gnomAD v4.1: 87 of 1,613,556 alleles (0.0054%); highest among the groups gnomAD compares: African/African-American, 0.1%; no homozygotes.

Submissions (2):

Ambry Genetics
Classification: Uncertain significance. Last evaluated: 2024-02-14. Review status: criteria provided, single submitter. Criteria: Ambry Variant Classification Scheme 2023. Collection method: clinical testing. Allele origin: germline.

PreventionGenetics, part of Exact Sciences
Classification: Uncertain significance for SEMA3C-related condition. Last evaluated: 2024-06-19. Review status: no assertion criteria provided. Collection method: clinical testing. Allele origin: germline. Not counted in ClinVar's aggregate classification.
Comment: The SEMA3C c.82G>T variant is predicted to result in the amino acid substitution p.Val28Phe. To our knowledge, this variant has not been reported in the literature. This variant is reported in 0.12% of alleles in individuals of African descent in gnomAD. Although we suspect that this variant may be benign, at this time, the clinical significance of this variant is uncertain due to the absence of conclusive functional and genetic evidence.